The following is an entry in ClinVar:

NM_000501.4(ELN):c.1859_1865del

Gene: ELN (elastin; plus strand). Cytogenetic location: 7q11.23.
Variant type: Deletion.
Coding change: c.1859_1865del on transcript NM_000501.4 (MANE Select); coding-DNA positions 1859 to 1865, 7 bases deleted (GAGCCGG; older notation c.1859_1865delGAGCCGG).
Molecular consequence: splice acceptor variant.
Genome position (GRCh38, 1-based): chr7:74,063,310-74,063,316, GAGCCGG deleted; deleting any 7 consecutive bases within chr7:74,063,309-74,063,316 gives the same sequence; the c. name uses the placement nearest the transcript's 3' end. VCF-style (leftmost placement, unchanged base first): chr7-74063308-AGGAGCCG-A. GRCh37 (hg19) VCF-style: chr7-73477638-AGGAGCCG-A.
Identifiers: ClinVar variation 4795134 (VCV004795134.1).

ClinVar aggregate classification (germline): Pathogenic (1 of 4 stars; one submission).

Conditions:
Supravalvar aortic stenosis (SVAS). Also called: Supravalvar aortic stenosis, Eisenberg type. Identifiers: Orphanet 3193, MedGen C0003499, MONDO:0008504, OMIM 185500, HP:0004381.

Submission:

MVZ Martinsried, Medicover Genetics
Classification: Pathogenic for Supravalvar aortic stenosis. Last evaluated: 2025-10-23. Review status: criteria provided, single submitter. Criteria: ClinGen Variant Curation SOP V3.2 + Classification Guidance July2025. Collection method: clinical testing. Allele origin: unknown. Affected: yes. Observed: 1 heterozygote.
Comment: PVS1, PM2_PP, PP4